The following is an entry in ClinVar:

ClinVar aggregate classification (germline): Likely pathogenic. Review status: criteria provided, multiple submitters, no conflicts (2 of 4 stars). 5 submissions from 5 submitters: Likely pathogenic (4). 1 of the submissions does not count toward it. Last evaluated 2023-11-17.

Conditions:
Hereditary hemorrhagic telangiectasia (HHT). Also called: Osler hemorrhagic telangiectasia syndrome; ORW DISEASE; Osler Weber Rendu syndrome; OSLER-RENDU-WEBER DISEASE. Identifiers: Orphanet 774, MedGen C0039445, MONDO:0019180. Disease mechanism: loss of function.
Cardiovascular phenotype. Identifiers: MedGen CN230736.
Telangiectasia, hereditary hemorrhagic, type 1 (HHT1). Also called: Osler Weber Rendu syndrome type 1; ENG-Related Hereditary Hemorrhagic Telangiectasia. Identifiers: Orphanet 774, MedGen C4551861, MONDO:0008535, OMIM 187300. Disease mechanism: loss of function.

Allele frequency attached by ClinVar (database versions not stated): gnomAD exomes below 0.00001.

Submissions (5):

GeneDx
Classification: Likely pathogenic. Last evaluated: 2023-11-17. Review status: criteria provided, single submitter. Criteria: GeneDx Variant Classification Process June 2021. Collection method: clinical testing. Allele origin: germline. Affected: yes.
Comment: Not observed at significant frequency in large population cohorts (gnomAD); A published functional study showed a splice defect resulting in a truncated protein (PMID: 9245986); In silico analysis supports a deleterious effect on splicing; This variant is associated with the following publications: (PMID: 25525159, 32573726, 9245986)

Labcorp Genetics (formerly Invitae), Labcorp
Classification: Likely pathogenic for Hereditary hemorrhagic telangiectasia. Last evaluated: 2021-09-24. Review status: criteria provided, single submitter. Criteria: Invitae Variant Classification Sherloc (09022015). Collection method: clinical testing. Allele origin: germline.
Comment: Nucleotide substitutions within the consensus splice site are a relatively common cause of aberrant splicing (PMID: 17576681, 9536098). Studies have shown that this variant results in skipping of exon 3, but is expected to preserve the integrity of the reading-frame (PMID: 9245986). This sequence change falls in intron 3 of the ENG gene. It does not directly change the encoded amino acid sequence of the ENG protein. RNA analysis indicates that this variant induces altered splicing and likely results in a shortened protein product. This variant is not present in population databases (ExAC no frequency). This variant has been observed in individuals with clinical features of hereditary hemorrhagic telangiectasia (PMID: 9245986, 32573726). ClinVar contains an entry for this variant (Variation ID: 16671). In summary, the currently available evidence indicates that the variant is pathogenic, but additional data are needed to prove that conclusively. Therefore, this variant has been classified as Likely Pathogenic.

NIHR Bioresource Rare Diseases, University of Cambridge
Classification: Likely pathogenic for Telangiectasia, hereditary hemorrhagic, type 1. Last evaluated: 2018-01-01. Review status: criteria provided, single submitter. Criteria: ACMG Guidelines, 2015. Collection method: research. Allele origin: unknown. Affected: yes. Observed: 2 variant alleles.
Comment: PS3+PM2+PP4

Ambry Genetics
Classification: Likely pathogenic for Cardiovascular phenotype. Last evaluated: 2017-02-20. Review status: criteria provided, single submitter. Criteria: Ambry Variant Classification Scheme 2023. Collection method: clinical testing. Allele origin: germline.
Comment: The c.360+4A>G intronic variant results from an A to G substitution 4 nucleotides after coding exon 3 in the ENG gene. This variant was identified in an individual with hereditary hemorrhagic telangiectasia (HHT) and was reported to result in a donor splice site disruption; mRNA analysis showed exon 3 skipping (Shovlin CL et al. Am. J. Hum. Genet., 1997 Jul;61:68-79). This variant was not reported in the ExAC database, with coverage at this position. This nucleotide position is highly conserved on limited sequence alignment. Using the BDGP and ESEfinder splice site prediction tools, this alteration is predicted to weaken the efficiency of the native splice donor site; however, direct evidence is unavailable. Based on the majority of available evidence to date, this variant is likely to be pathogenic.

OMIM
Classification: Pathogenic for HEREDITARY HEMORRHAGIC TELANGIECTASIA 1. Last evaluated: 1997-07-01. Review status: no assertion criteria provided. Collection method: literature only. Allele origin: germline. Not counted in ClinVar's aggregate classification.

Literature cited by the submitters: PubMed 17576681 (cited by Labcorp Genetics (formerly Invitae), Labcorp); PubMed 9536098 (cited by Labcorp Genetics (formerly Invitae), Labcorp); PubMed 9245986 (cited by 3 submitters); PubMed 32573726 (cited by Labcorp Genetics (formerly Invitae), Labcorp and NIHR Bioresource Rare Diseases, University of Cambridge).

NM_001114753.3(ENG):c.360+4A>G

Gene: ENG (endoglin; minus strand). Cytogenetic location: 9q34.11.
Variant type: single nucleotide variant.
Coding change: c.360+4A>G on transcript NM_001114753.3 (MANE Select); 4 bases into the intron after coding-DNA position 360, A replaced by G.
Molecular consequence: intron variant.
Genome position (GRCh38, 1-based): chr9:127,829,683, T>C on the plus strand (A>G on the coding strand, the complement: ENG is on the minus strand). VCF-style: chr9-127829683-T-C. GRCh37 (hg19) VCF-style: chr9-130591962-T-C.
Other names: IVS3DS, A-G, +4; c.360+4A>G (NM_000118.4, NM_001406715.1, NM_001114753.1); c.-187+4A>G (NM_001278138.2).
Identifiers: ClinVar variation 16671 (VCV000016671.11), dbSNP rs1564457752, ClinGen allele CA913184727.